The following is an entry in ClinVar:

NM_000535.7(PMS2):c.314G>C (p.Gly105Ala)

Gene: PMS2 (PMS1 homolog 2, mismatch repair system component; minus strand). Cytogenetic location: 7p22.1.
Variant type: single nucleotide variant.
Coding change: c.314G>C on transcript NM_000535.7 (MANE Select); coding-DNA position 314, G replaced by C.
Protein change: p.Gly105Ala; replaces glycine 105 with alanine.
Molecular consequence: missense variant. On other transcripts: 5 prime UTR variant (9), non-coding transcript variant (1), intron variant (2).
Genome position (GRCh38, 1-based): chr7:6,003,729, C>G on the plus strand (G>C on the coding strand, the complement: PMS2 is on the minus strand). VCF-style: chr7-6003729-C-G. GRCh37 (hg19) VCF-style: chr7-6043360-C-G.
Other names: c.-92G>C (NM_001322003.2, NM_001322004.2, NM_001322005.2 and 3 more transcripts); c.314G>C, p.Gly105Ala (NM_001322006.2, NM_001322014.2); c.-571G>C (NM_001322011.2, NM_001322012.2); c.-171G>C (NM_001322015.2); c.35+243G>C (NM_001322008.2, NM_001322007.2); short protein forms G105A.
Identifiers: ClinVar variation 1464452 (VCV001464452.8), dbSNP rs876659413, ClinGen allele CA366744597.

ClinVar aggregate classification (germline): Uncertain significance (1 of 4 stars; one submission).

Conditions:
Hereditary nonpolyposis colorectal neoplasms. Identifiers: MedGen C0009405, MeSH D003123.

Submission:

Labcorp Genetics (formerly Invitae), Labcorp
Classification: Uncertain significance for Hereditary nonpolyposis colorectal neoplasms. Last evaluated: 2025-04-10. Review status: criteria provided, single submitter. Criteria: Invitae Variant Classification Sherloc (09022015). Collection method: clinical testing. Allele origin: germline.
Comment: This sequence change replaces glycine, which is neutral and non-polar, with alanine, which is neutral and non-polar, at codon 105 of the PMS2 protein (p.Gly105Ala). This variant is not present in population databases (gnomAD no frequency). This variant has not been reported in the literature in individuals affected with PMS2-related conditions. ClinVar contains an entry for this variant (Variation ID: 1464452). Invitae Evidence Modeling incorporating data from in vitro experimental studies (internal data) indicates that this missense variant is expected to disrupt PMS2 function with a positive predictive value of 95%. In summary, the available evidence is currently insufficient to determine the role of this variant in disease. Therefore, it has been classified as a Variant of Uncertain Significance.